The following is an entry in ClinVar:

NM_001267550.2(TTN):c.59894C>T (p.Thr19965Ile)

Genes: TTN (titin; minus strand), TTN-AS1 (TTN antisense RNA 1; plus strand), LOC126806424 (CDK7 strongly-dependent group 2 enhancer GRCh37_chr2:179456337-179457536; plus strand). Cytogenetic location: 2q31.2.
Variant type: single nucleotide variant.
Coding change: c.59894C>T on transcript NM_001267550.2 (MANE Select); coding-DNA position 59894, C replaced by T.
Protein change: p.Thr19965Ile; replaces threonine 19965 with isoleucine.
Molecular consequence: missense variant.
Genome position (GRCh38, 1-based): chr2:178,592,010, G>A on the plus strand (C>T on the coding strand, the complement: TTN is on the minus strand). VCF-style: chr2-178592010-G-A. GRCh37 (hg19) VCF-style: chr2-179456737-G-A.
Other names: p.T18324I:ACA>ATA; c.54971C>T, p.Thr18324Ile (NM_001256850.1); c.32699C>T, p.Thr10900Ile (NM_003319.4); c.52190C>T, p.Thr17397Ile (NM_133378.4); c.33074C>T, p.Thr11025Ile (NM_133432.3); c.33275C>T, p.Thr11092Ile (NM_133437.4); short protein forms T18324I, T19965I, T11092I, T17397I, T10900I, T11025I.
Identifiers: ClinVar variation 202744 (VCV000202744.4), dbSNP rs372266703, ClinGen allele CA310152.

ClinVar aggregate classification (germline): Uncertain significance. Review status: criteria provided, multiple submitters, no conflicts (2 of 4 stars). 2 submissions from 2 submitters: Uncertain significance (2). Last evaluated 2019-11-12.

Conditions:
Cardiovascular phenotype. Identifiers: MedGen CN230736.

Allele frequency attached by ClinVar (database versions not stated): gnomAD exomes below 0.00001 and 0.00001; TOPMed below 0.00001; ExAC 0.00001; gnomAD 0.00001; ESP Exome Variant Server 0.00008.
gnomAD v4.1: 3 of 1,612,864 alleles (0.00019%); highest among the groups gnomAD compares: African/African-American, 0.004%; no homozygotes.

Submissions (2):

Ambry Genetics
Classification: Uncertain significance for Cardiovascular phenotype. Last evaluated: 2019-11-12. Review status: criteria provided, single submitter. Criteria: Ambry Variant Classification Scheme 2023. Collection method: clinical testing. Allele origin: germline.
Comment: The p.T10900I variant (also known as c.32699C>T), located in coding exon 129 of the TTN gene, results from a C to T substitution at nucleotide position 32699. The threonine at codon 10900 is replaced by isoleucine, an amino acid with similar properties. This amino acid position is well conserved in available vertebrate species. In addition, this alteration is predicted to be tolerated by in silico analysis. Since supporting evidence is limited at this time, the clinical significance of this alteration remains unclear.

GeneDx
Classification: Uncertain significance. Last evaluated: 2013-05-07. Review status: criteria provided, single submitter. Criteria: GeneDx Variant Classification (06012015). Collection method: clinical testing. Allele origin: germline. Affected: yes.
Comment: Missense variants in the TTN gene are considered 'unclassified' if they are not previously reported in the literature and do not have >1% frequency in the population to be considered a polymorphism. Research indicates that truncating mutations in the TTN gene are expected to account for approximately 25% of familial and 18% of sporadic idiopathic DCM; however, truncating variants in the TTN gene have been reported in approximately 3% of reported control alleles. There has been little investigation into non-truncating variants. (Herman D et al. Truncations of titin causing dilated cardiomyopathy. N Eng J Med 366:619-628, 2012) The variant is found in DCM panel(s).